The following is an entry in ClinVar:

NM_000152.5(GAA):c.1601C>G (p.Pro534Arg)

Gene: GAA (alpha glucosidase; plus strand). Cytogenetic location: 17q25.3.
Variant type: single nucleotide variant.
Coding change: c.1601C>G on transcript NM_000152.5 (MANE Select); coding-DNA position 1601, C replaced by G.
Protein change: p.Pro534Arg; replaces proline 534 with arginine.
Molecular consequence: missense variant.
Genome position (GRCh38, 1-based): chr17:80,110,990, C>G. VCF-style: chr17-80110990-C-G. GRCh37 (hg19) VCF-style: chr17-78084789-C-G.
Other names: c.1601C>G, p.Pro534Arg (NM_001079803.3, NM_001079804.3); c.1601C>G (LRG_673t1); short protein forms P534R.
Identifiers: ClinVar variation 657281 (VCV000657281.6), dbSNP rs1039935633, ClinGen allele CA401367292.
Genomic context (GRCh38, chr17:80,110,990, plus strand): 5'-TTCTCTTGCAGGACATGAACGAGCCTTCCAACTTCATCAGGGGCTCTGAGGACGGCTGCC[C>G]CAACAATGAGCTGGAGAACCCACCCTACGTGCCTGGTCAGCTCGCCCCCCACCTACCCTG-3'
Protein context (NP_000143.2, residues 524-544): NFIRGSEDGC[Pro534Arg]NNELENPPYV

ClinVar aggregate classification (germline): Uncertain significance (1 of 4 stars; one submission).

Conditions:
Glycogen storage disease, type II (IOPD). Also called: POMPE DISEASE, INFANTILE-ONSET; GLYCOGEN STORAGE DISEASE II, INFANTILE-ONSET; ACID ALPHA-GLUCOSIDASE DEFICIENCY, INFANTILE-ONSET; GAA DEFICIENCY, INFANTILE-ONSET; ACID MALTASE DEFICIENCY, INFANTILE-ONSET; GLYCOGENOSIS, GENERALIZED, CARDIAC FORM. Identifiers: Orphanet 365, MedGen C0017921, MONDO:0009290, OMIM 232300.

Submission:

Labcorp Genetics (formerly Invitae), Labcorp
Classification: Uncertain significance for Glycogen storage disease, type II. Last evaluated: 2021-08-28. Review status: criteria provided, single submitter. Criteria: Invitae Variant Classification Sherloc (09022015). Collection method: clinical testing. Allele origin: germline.
Comment: This sequence change replaces proline with arginine at codon 534 of the GAA protein (p.Pro534Arg). The proline residue is highly conserved and there is a moderate physicochemical difference between proline and arginine. This variant is not present in population databases (ExAC no frequency). This variant has not been reported in the literature in individuals affected with GAA-related conditions. Algorithms developed to predict the effect of missense changes on protein structure and function (SIFT, PolyPhen-2, Align-GVGD) all suggest that this variant is likely to be disruptive. In summary, the available evidence is currently insufficient to determine the role of this variant in disease. Therefore, it has been classified as a Variant of Uncertain Significance.